The following is an entry in ClinVar:

ClinVar aggregate classification (germline): Likely benign (1 of 4 stars; one submission).

gnomAD v4.1: 2 of 1,612,858 alleles (0.00012%); highest among the groups gnomAD compares: Non-Finnish European, 0.00017%; no homozygotes.

Submission:

GeneDx
Classification: Likely benign. Last evaluated: 2018-05-14. Review status: criteria provided, single submitter. Criteria: GeneDx Variant Classification (06012015). Collection method: clinical testing. Allele origin: germline. Affected: yes.
Comment: This variant is considered likely benign or benign based on one or more of the following criteria: it is a conservative change, it occurs at a poorly conserved position in the protein, it is predicted to be benign by multiple in silico algorithms, and/or has population frequency not consistent with disease.

NM_002474.3(MYH11):c.3282G>T (p.Ala1094=)

Gene: MYH11 (myosin heavy chain 11; minus strand). Cytogenetic location: 16p13.11.
Variant type: single nucleotide variant.
Coding change: c.3282G>T on transcript NM_002474.3 (MANE Select); coding-DNA position 3282, G replaced by T.
Protein change: p.Ala1094=; no amino-acid change (alanine 1094 retained).
Molecular consequence: synonymous variant.
Genome position (GRCh38, 1-based): chr16:15,737,460, C>A on the plus strand (G>T on the coding strand, the complement: MYH11 is on the minus strand). VCF-style: chr16-15737460-C-A. GRCh37 (hg19) VCF-style: chr16-15831317-C-A.
Other names: c.3303G>T, p.Ala1101= (NM_001040113.2, NM_001040114.2); c.3282G>T, p.Ala1094= (NM_022844.3).
Identifiers: ClinVar variation 668362 (VCV000668362.1), dbSNP rs200289373, ClinGen allele CA493779917.